The following is an entry in ClinVar:

ClinVar aggregate classification (germline): Uncertain significance (1 of 4 stars; one submission).

Conditions:
Vici syndrome (VICIS). Identifiers: Orphanet 1493, MedGen C1855772, MONDO:0009452, OMIM 242840.

Allele frequency attached by ClinVar (database versions not stated): gnomAD exomes below 0.00001; gnomAD 0.00001; TOPMed 0.00001.
gnomAD v4.1: 3 of 1,613,992 alleles (0.00019%); highest among the groups gnomAD compares: Non-Finnish European, 0.00025%; no homozygotes.

Submission:

Labcorp Genetics (formerly Invitae), Labcorp
Classification: Uncertain significance for Vici syndrome. Last evaluated: 2021-09-01. Review status: criteria provided, single submitter. Criteria: Invitae Variant Classification Sherloc (09022015). Collection method: clinical testing. Allele origin: germline.
Comment: This sequence change replaces alanine with aspartic acid at codon 1560 of the EPG5 protein (p.Ala1560Asp). The alanine residue is highly conserved and there is a moderate physicochemical difference between alanine and aspartic acid. This variant is not present in population databases (ExAC no frequency). This variant has not been reported in the literature in individuals affected with EPG5-related conditions. Algorithms developed to predict the effect of missense changes on protein structure and function are either unavailable or do not agree on the potential impact of this missense change (SIFT: "Deleterious"; PolyPhen-2: "Probably Damaging"; Align-GVGD: "Class C0"). In summary, the available evidence is currently insufficient to determine the role of this variant in disease. Therefore, it has been classified as a Variant of Uncertain Significance.

NM_020964.3(EPG5):c.4679C>A (p.Ala1560Asp)

Gene: EPG5 (ectopic P-granules 5 autophagy tethering factor; minus strand). Cytogenetic location: 18q12.3.
Variant type: single nucleotide variant.
Coding change: c.4679C>A on transcript NM_020964.3 (MANE Select); coding-DNA position 4679, C replaced by A.
Protein change: p.Ala1560Asp; replaces alanine 1560 with aspartic acid.
Molecular consequence: missense variant.
Genome position (GRCh38, 1-based): chr18:45,899,534, G>T on the plus strand (C>A on the coding strand, the complement: EPG5 is on the minus strand). VCF-style: chr18-45899534-G-T. GRCh37 (hg19) VCF-style: chr18-43479499-G-T.
Other names: short protein forms A1560D.
Identifiers: ClinVar variation 1421196 (VCV001421196.6), dbSNP rs1227873728, ClinGen allele CA402337031.